The following is an entry in ClinVar:

ClinVar aggregate classification (germline): Uncertain significance (1 of 4 stars; one submission).

Allele frequency attached by ClinVar (database versions not stated): gnomAD 0.00001; gnomAD exomes below 0.00001; TOPMed below 0.00001.
gnomAD v4.1: 3 of 1,611,906 alleles (0.00019%); highest among the groups gnomAD compares: African/African-American, 0.0013%; no homozygotes.

Submission:

Labcorp Genetics (formerly Invitae), Labcorp
Classification: Uncertain significance. Last evaluated: 2025-02-10. Review status: criteria provided, single submitter. Criteria: Invitae Variant Classification Sherloc (09022015). Collection method: clinical testing. Allele origin: germline.
Comment: This sequence change replaces methionine, which is neutral and non-polar, with threonine, which is neutral and polar, at codon 35 of the CD151 protein (p.Met35Thr). This variant is not present in population databases (gnomAD no frequency). This variant has not been reported in the literature in individuals affected with CD151-related conditions. ClinVar contains an entry for this variant (Variation ID: 2050739). An algorithm developed to predict the effect of missense changes on protein structure and function (PolyPhen-2) suggests that this variant is likely to be tolerated. In summary, the available evidence is currently insufficient to determine the role of this variant in disease. Therefore, it has been classified as a Variant of Uncertain Significance.

NM_004357.5(CD151):c.104T>C (p.Met35Thr)

Gene: CD151 (CD151 molecule (Raph blood group); plus strand). Cytogenetic location: 11p15.5.
Variant type: single nucleotide variant.
Coding change: c.104T>C on transcript NM_004357.5 (MANE Select); coding-DNA position 104, T replaced by C.
Protein change: p.Met35Thr; replaces methionine 35 with threonine.
Molecular consequence: missense variant.
Genome position (GRCh38, 1-based): chr11:836,270, T>C. VCF-style: chr11-836270-T-C. GRCh37 (hg19) VCF-style: chr11-836270-T-C.
Other names: c.104T>C, p.Met35Thr (NM_001039490.2, NM_139029.2, NM_139030.4); short protein forms M35T.
Identifiers: ClinVar variation 2050739 (VCV002050739.4), dbSNP rs1322086667, ClinGen allele CA378992883.
Genomic context (GRCh38, chr11:836,270, plus strand): 5'-AGACCTGGGCAGATGCGATGACCTTTGTGTACTGCTTGTAGCTGGCTGGCCTGGCTGTCA[T>C]GGCAGTGGGCATCTGGACGCTGGCCCTCAAGAGTGACTACATCAGCCTGCTGGCCTCAGG-3'
Protein context (NP_004348.2, residues 25-45): CCFWLAGLAV[Met35Thr]AVGIWTLALK